The following is an entry in ClinVar:

ClinVar aggregate classification (germline): Pathogenic (1 of 4 stars; one submission).

Conditions:
Familial adenomatous polyposis 1 (FAP1). Also called: POLYPOSIS, ADENOMATOUS INTESTINAL; FAMILIAL ADENOMATOUS POLYPOSIS 1, ATTENUATED. Identifiers: MedGen C2713442, MONDO:0021056, OMIM 175100. Disease mechanism: loss of function.

Submission:

Labcorp Genetics (formerly Invitae), Labcorp
Classification: Pathogenic for Familial adenomatous polyposis 1. Last evaluated: 2020-01-16. Review status: criteria provided, single submitter. Criteria: Invitae Variant Classification Sherloc (09022015). Collection method: clinical testing. Allele origin: germline.
Comment: This variant is not present in population databases (ExAC no frequency). This sequence change results in a premature translational stop signal in the APC gene (p.Leu656Glnfs*15). While this is not anticipated to result in nonsense mediated decay, it is expected to disrupt the last 2,188 amino acids of the APC protein. This variant has not been reported in the literature in individuals with APC-related disease. This variant is expected to disrupt the EB1 and HDLG binding sites, which mediate interactions with the cytoskeleton (PMID: 15311282, 17293347). While functional studies have not been performed to directly test the effect on APC protein function, this suggests that disruption of the C-terminal portion of the protein is functionally important. A different truncation (p.Tyr2645Lysfs*14) that lies downstream of this variant has been determined to be pathogenic (PMID: 9824584, 1316610, 27081525, 8381579, 22135120, Invitae). This suggests that deletion of this region of the APC protein is causative of disease. For these reasons, this variant has been classified as Pathogenic.

Literature cited by the submitters: PubMed 15311282; PubMed 17293347; PubMed 9824584; PubMed 1316610; PubMed 27081525; PubMed 8381579; PubMed 22135120.

NM_000038.6(APC):c.1967_1974del (p.Leu656fs)

Gene: APC (APC regulator of Wnt signaling pathway; plus strand). Cytogenetic location: 5q22.2.
Variant type: Deletion.
Coding change: c.1967_1974del on transcript NM_000038.6 (MANE Select); coding-DNA positions 1967 to 1974, 8 bases deleted (TAAGAGAG; older notation c.1967_1974delTAAGAGAG).
Protein change: p.Leu656fs; shifts the reading frame from leucine 656.
Molecular consequence: frameshift variant.
Genome position (GRCh38, 1-based): chr5:112,837,561-112,837,568, TAAGAGAG deleted. VCF-style (leftmost placement, unchanged base first): chr5-112837560-CTAAGAGAG-C. GRCh37 (hg19) VCF-style: chr5-112173257-CTAAGAGAG-C.
Other names: c.1967_1974del, p.Leu656fs (NM_001127510.3, NM_001354895.2); c.1913_1920del, p.Leu638fs (NM_001127511.3); c.2021_2028del, p.Leu674fs (NM_001354896.2); c.1997_2004del, p.Leu666fs (NM_001354897.2); c.1892_1899del, p.Leu631fs (NM_001354898.2); c.1883_1890del, p.Leu628fs (NM_001354899.2); c.1844_1851del, p.Leu615fs (NM_001354900.2); c.1790_1797del, p.Leu597fs (NM_001354901.2); and 5 more; short protein forms L373fs, L628fs, L555fs, L597fs, L631fs, L656fs, L530fs, L674fs.
Identifiers: ClinVar variation 658165 (VCV000658165.10), dbSNP rs1580616896, ClinGen allele CA915942610.